The following is an entry in ClinVar:

ClinVar aggregate classification (germline): Conflicting classifications of pathogenicity. Review status: criteria provided, conflicting classifications (1 of 4 stars). 4 submissions from 4 submitters: Uncertain significance (2); Likely benign (1). 1 of the submissions does not count toward it. Last evaluated 2026-10-14.

Conditions:
LPL-related disorder. Also called: LPL-related condition.

Allele frequency attached by ClinVar (database versions not stated): gnomAD 0.00100 and 0.00103; 1000 Genomes Project 30x 0.00016; 1000 Genomes Project 0.00020; TOPMed 0.00111; gnomAD exomes 0.00129.

Submissions (4):

GeneDx
Classification: Uncertain significance. Last evaluated: 2026-10-14. Review status: criteria provided, single submitter. Criteria: GeneDx Variant Classification Process June 2021. Collection method: clinical testing. Allele origin: germline.
Comment: Identified in patients with familial combined hyperlipidemia and severe HDL deficiency in published literature (PMID: 9017514, 30333156); Located in the 5' untranslated region of the LPL gene and does not create a new start codon or alter the Kozak sequence; Published functional studies showed a reduction in promotor activity (PMID: 9017514); Also known as c.-53 G>C; This variant is associated with the following publications: (PMID: 34426522, 27055971, 9017514, 30333156)

Labcorp Genetics (formerly Invitae), Labcorp
Classification: Likely benign. Last evaluated: 2023-11-20. Review status: criteria provided, single submitter. Criteria: Invitae Variant Classification Sherloc (09022015). Collection method: clinical testing. Allele origin: germline.

Mendelics
Classification: Uncertain significance. Last evaluated: 2022-05-04. Review status: criteria provided, single submitter. Criteria: Mendelics Assertion Criteria 2019. Collection method: clinical testing. Allele origin: germline.

PreventionGenetics, part of Exact Sciences
Classification: Likely benign for LPL-related condition. Last evaluated: 2019-03-21. Review status: no assertion criteria provided. Collection method: clinical testing. Allele origin: germline. Not counted in ClinVar's aggregate classification.
Comment: This variant is classified as likely benign based on ACMG/AMP sequence variant interpretation guidelines (Richards et al. 2015 PMID: 25741868, with internal and published modifications).

NC_000008.11:g.19939200G>C

Gene: LPL (lipoprotein lipase; plus strand). Cytogenetic location: 8p21.3.
Variant type: single nucleotide variant.
Genome position: GRCh38 VCF-style: chr8-19939200-G-C. GRCh37 (hg19) VCF-style: chr8-19796711-G-C.
Identifiers: ClinVar variation 763853 (VCV000763853.14), dbSNP rs540525285, ClinGen allele CA12755588.